The following is an entry in ClinVar:

NM_016219.5(MAN1B1):c.746G>A (p.Arg249His)

Gene: MAN1B1 (mannosidase alpha class 1B member 1; plus strand). Cytogenetic location: 9q34.3.
Variant type: single nucleotide variant.
Coding change: c.746G>A on transcript NM_016219.5 (MANE Select); coding-DNA position 746, G replaced by A.
Protein change: p.Arg249His; replaces arginine 249 with histidine.
Molecular consequence: missense variant. On other transcripts: non-coding transcript variant (2).
Genome position (GRCh38, 1-based): chr9:137,099,711, G>A. VCF-style: chr9-137099711-G-A. GRCh37 (hg19) VCF-style: chr9-139994163-G-A.
Other names: c.638G>A, p.Arg213His (NM_007230.1); short protein forms R213H, R249H.
Identifiers: ClinVar variation 2156849 (VCV002156849.1), dbSNP rs561918454, ClinGen allele CA5358777.

ClinVar aggregate classification (germline): Uncertain significance (1 of 4 stars; one submission).

Conditions:
Rafiq syndrome (RAFQS). Identifiers: Orphanet 88616, MedGen C3280127, MONDO:0013624, OMIM 614202.

Allele frequency attached by ClinVar (database versions not stated): TOPMed below 0.00001; gnomAD 0.00001; 1000 Genomes Project 30x 0.00016; 1000 Genomes Project 0.00020.

Submission:

Labcorp Genetics (formerly Invitae), Labcorp
Classification: Uncertain significance for Rafiq syndrome. Last evaluated: 2022-07-13. Review status: criteria provided, single submitter. Criteria: Invitae Variant Classification Sherloc (09022015). Collection method: clinical testing. Allele origin: germline.
Comment: This sequence change replaces arginine, which is basic and polar, with histidine, which is basic and polar, at codon 249 of the MAN1B1 protein (p.Arg249His). This variant is present in population databases (rs561918454, gnomAD 0.01%). This variant has not been reported in the literature in individuals affected with MAN1B1-related conditions. Algorithms developed to predict the effect of missense changes on protein structure and function are either unavailable or do not agree on the potential impact of this missense change (SIFT: "Deleterious"; PolyPhen-2: "Probably Damaging"; Align-GVGD: "Class C0"). In summary, the available evidence is currently insufficient to determine the role of this variant in disease. Therefore, it has been classified as a Variant of Uncertain Significance.